The following is an entry in ClinVar:

NM_001042492.3(NF1):c.7109A>T (p.His2370Leu)

Gene: NF1 (neurofibromin 1; plus strand). Cytogenetic location: 17q11.2.
Variant type: single nucleotide variant.
Coding change: c.7109A>T on transcript NM_001042492.3 (MANE Select); coding-DNA position 7109, A replaced by T.
Protein change: p.His2370Leu; replaces histidine 2370 with leucine.
Molecular consequence: missense variant.
Genome position (GRCh38, 1-based): chr17:31,343,055, A>T. VCF-style: chr17-31343055-A-T. GRCh37 (hg19) VCF-style: chr17-29670073-A-T.
Other names: c.7046A>T, p.His2349Leu (NM_000267.4); short protein forms H2349L, H2370L.
Identifiers: ClinVar variation 3237915 (VCV003237915.2), dbSNP rs2151565062.

ClinVar aggregate classification (germline): Uncertain significance. Review status: criteria provided, multiple submitters, no conflicts (2 of 4 stars). 2 submissions from 2 submitters: Uncertain significance (2). Last evaluated 2025-11-27.

Conditions:
Hereditary cancer-predisposing syndrome. Also called: Hereditary Cancer Syndrome; Tumor predisposition; Neoplastic Syndromes, Hereditary; Hereditary neoplastic syndrome. Identifiers: Orphanet 140162, MedGen C0027672, MeSH D009386, MONDO:0015356.
Cardiovascular phenotype. Identifiers: MedGen CN230736.
Neurofibromatosis, type 1 (NF1). Also called: VON RECKLINGHAUSEN DISEASE; Neurofibromatosis, type I; NEUROFIBROMATOSIS, TYPE I, SOMATIC; Peripheral type neurofibromatosis. Identifiers: Orphanet 636, MedGen C0027831, MONDO:0018975, OMIM 162200. Disease mechanism: loss of function.

Submissions (2):

Labcorp Genetics (formerly Invitae), Labcorp
Classification: Uncertain significance for Neurofibromatosis, type 1. Last evaluated: 2025-11-27. Review status: criteria provided, single submitter. Criteria: Invitae Variant Classification Sherloc (09022015). Collection method: clinical testing. Allele origin: germline.
Comment: This sequence change replaces histidine, which is basic and polar, with leucine, which is neutral and non-polar, at codon 2349 of the NF1 protein (p.His2349Leu). This variant is not present in population databases (gnomAD no frequency). This variant has not been reported in the literature in individuals affected with NF1-related conditions. ClinVar contains an entry for this variant (Variation ID: 3237915). Invitae Evidence Modeling of protein sequence and biophysical properties (such as structural, functional, and spatial information, amino acid conservation, physicochemical variation, residue mobility, and thermodynamic stability) indicates that this missense variant is expected to disrupt NF1 protein function with a positive predictive value of 95%. In summary, the available evidence is currently insufficient to determine the role of this variant in disease. Therefore, it has been classified as a Variant of Uncertain Significance.

Ambry Genetics
Classification: Uncertain significance for Cardiovascular phenotype; Hereditary cancer-predisposing syndrome. Last evaluated: 2023-09-21. Review status: criteria provided, single submitter. Criteria: Ambry Variant Classification Scheme 2023. Collection method: clinical testing. Allele origin: germline.
Comment: The p.H2349L variant (also known as c.7046A>T), located in coding exon 47 of the NF1 gene, results from an A to T substitution at nucleotide position 7046. The histidine at codon 2349 is replaced by leucine, an amino acid with similar properties. This amino acid position is conserved. In addition, the in silico prediction for this alteration is inconclusive. Since supporting evidence is limited at this time, the clinical significance of this alteration remains unclear.